The following is an entry in ClinVar:

ClinVar aggregate classification (germline): Uncertain significance. Review status: criteria provided, multiple submitters, no conflicts (2 of 4 stars). 2 submissions from 2 submitters: Uncertain significance (2). Last evaluated 2024-10-11.

Conditions:
Cobalamin C disease. Also called: Methylmalonic aciduria and homocystinuria, Vitamin B12-responsive; Vitamin B12 metabolic defect with combined deficiency of methylmalonyl-CoA mutase and homocysteine:methyltetrahydrofolate methyltransferase; Cobalamin-C methylmalonic acidemia and homocystinuria; Methylmalonic acidemia and homocystinuria cblC type; methylmalonic aciduria and homocystinuria type cblC; Methylmalonic aciduria with homocystinuria cblC type. Identifiers: Orphanet 26, Orphanet 79282, MedGen C1848561, MONDO:0010184, OMIM 277400.

Allele frequency attached by ClinVar (database versions not stated): ExAC 0.00001.
gnomAD v4.1: 1 of 1,614,192 alleles (0.000062%); highest among the groups gnomAD compares: Admixed American, 0.0017%; no homozygotes.

Submissions (2):

Women's Health and Genetics/Laboratory Corporation of America, LabCorp
Classification: Uncertain significance. Last evaluated: 2024-10-11. Review status: criteria provided, single submitter. Criteria: LabCorp Variant Classification Summary - May 2015. Collection method: clinical testing. Allele origin: germline.
Comment: Variant summary: MMACHC c.162C>G (p.Ser54Arg) results in a non-conservative amino acid change in the encoded protein sequence. Five of five in-silico tools predict a damaging effect of the variant on protein function. The variant allele was found at a frequency of 4e-06 in 249484 control chromosomes. The available data on variant occurrences in the general population are insufficient to allow any conclusion about variant significance. To our knowledge, no occurrence of c.162C>G in individuals affected with Methylmalonic Acidemia With Homocystinuria and no experimental evidence demonstrating its impact on protein function have been reported. ClinVar contains an entry for this variant (Variation ID: 1449631). Based on the evidence outlined above, the variant was classified as uncertain significance.

Labcorp Genetics (formerly Invitae), Labcorp
Classification: Uncertain significance for Cobalamin C disease. Last evaluated: 2023-06-03. Review status: criteria provided, single submitter. Criteria: Invitae Variant Classification Sherloc (09022015). Collection method: clinical testing. Allele origin: germline.
Comment: In summary, the available evidence is currently insufficient to determine the role of this variant in disease. Therefore, it has been classified as a Variant of Uncertain Significance. Advanced modeling of protein sequence and biophysical properties (such as structural, functional, and spatial information, amino acid conservation, physicochemical variation, residue mobility, and thermodynamic stability) has been performed at Invitae for this missense variant, however the output from this modeling did not meet the statistical confidence thresholds required to predict the impact of this variant on MMACHC protein function. ClinVar contains an entry for this variant (Variation ID: 1449631). This variant has not been reported in the literature in individuals affected with MMACHC-related conditions. This variant is present in population databases (rs750127773, gnomAD 0.003%). This sequence change replaces serine, which is neutral and polar, with arginine, which is basic and polar, at codon 54 of the MMACHC protein (p.Ser54Arg).

NM_015506.3(MMACHC):c.162C>G (p.Ser54Arg)

Gene: MMACHC (metabolism of cobalamin associated C; plus strand). Cytogenetic location: 1p34.1.
Variant type: single nucleotide variant.
Coding change: c.162C>G on transcript NM_015506.3 (MANE Select); coding-DNA position 162, C replaced by G.
Protein change: p.Ser54Arg; replaces serine 54 with arginine.
Molecular consequence: missense variant. On other transcripts: 5 prime UTR variant (1).
Genome position (GRCh38, 1-based): chr1:45,507,436, C>G. VCF-style: chr1-45507436-C-G. GRCh37 (hg19) VCF-style: chr1-45973108-C-G.
Other names: c.-10C>G (NM_001330540.2); short protein forms S54R.
Identifiers: ClinVar variation 1449631 (VCV001449631.9), dbSNP rs750127773, ClinGen allele CA827656.